The following is an entry in ClinVar:

ClinVar aggregate classification (germline): Likely pathogenic (1 of 4 stars; one submission).

Conditions:
Hereditary spherocytosis type 1. Also called: Spherocytosis type 1; ANK1-Related Spherocytosis. Identifiers: Orphanet 822, MedGen C2674218, MONDO:0008447, OMIM 182900.

Submission:

Neuberg Centre For Genomic Medicine, NCGM
Classification: Likely pathogenic for Hereditary spherocytosis type 1. Review status: criteria provided, single submitter. Criteria: ACMG Guidelines, 2015. Collection method: clinical testing. Allele origin: germline. Inheritance: Autosomal dominant inheritance. Affected: yes.
Comment: The frameshift duplication p.K1328Cfs*3 in ANK1 (NM_000037.4) has not been reported previously as a pathogenic variant nor as a benign variant, to our knowledge. The p.K1328Cfs*3 variant is novel (not in any individuals) in gnomAD Exomes and is novel (not in any individuals) in 1000 Genomes. This variant is predicted to cause loss of normal protein function through protein truncation. For these reasons, this variant has been classified as Likely Pathogenic.

NM_000037.4(ANK1):c.3974_3981dup (p.Lys1328delinsCysLeuTer)

Gene: ANK1 (ankyrin 1; minus strand). Cytogenetic location: 8p11.21.
Variant type: Duplication.
Coding change: c.3974_3981dup on transcript NM_000037.4 (MANE Select); coding-DNA positions 3974 to 3981, 8 bases duplicated (TGCCTGTA; older notation c.3974_3981dupTGCCTGTA).
Protein change: p.Lys1328delinsCysLeuTer.
Molecular consequence: nonsense.
Genome position (GRCh38, 1-based): chr8:41,690,477-41,690,484, TACAGGCA duplicated on the plus strand (TGCCTGTA on the coding strand, the reverse complement: ANK1 is on the minus strand); duplicating any 8 consecutive bases within chr8:41,690,477-41,690,485 gives the same sequence; the c. name uses the placement nearest the transcript's 3' end. VCF-style (leftmost placement, unchanged base first): chr8-41690476-T-TTACAGGCA. GRCh37 (hg19) VCF-style: chr8-41547994-T-TTACAGGCA.
Other names: c.4097_4104dup, p.Lys1369delinsCysLeuTer (NM_001142446.2); c.3974_3981dup, p.Lys1328delinsCysLeuTer (NM_020475.3, NM_020476.3, NM_020477.3).
Identifiers: ClinVar variation 2627521 (VCV002627521.1), dbSNP rs2486750189, ClinGen allele CA2582341962.